The following is an entry in ClinVar:

ClinVar aggregate classification (germline): Pathogenic/Likely pathogenic. Review status: criteria provided, multiple submitters, no conflicts (2 of 4 stars). 2 submissions from 2 submitters: Pathogenic (1); Likely pathogenic (1). Last evaluated 2022-09-13.

Conditions:
Severe myoclonic epilepsy in infancy (DRVT). Also called: DEVELOPMENTAL AND EPILEPTIC ENCEPHALOPATHY 6A; Severe Myoclonic Epilepsy in Infancy (SMEI); SEVERE MYOCLONIC EPILEPSY OF INFANCY; Dravet syndrome; Epileptic encephalopathy, early infantile, 6 (Dravet syndrome). Identifiers: Orphanet 33069, MedGen C0751122, MONDO:0100135, OMIM 607208.

Allele frequency attached by ClinVar (database versions not stated): gnomAD exomes 0.00001 and below 0.00001; ExAC 0.00001.
gnomAD v4.1: 3 of 1,613,920 alleles (0.00019%); highest among the groups gnomAD compares: Non-Finnish European, 0.00017%; no homozygotes.

Submissions (2):

Labcorp Genetics (formerly Invitae), Labcorp
Classification: Pathogenic for Severe myoclonic epilepsy in infancy. Last evaluated: 2022-09-13. Review status: criteria provided, single submitter. Criteria: Invitae Variant Classification Sherloc (09022015). Collection method: clinical testing. Allele origin: germline.
Comment: This variant is present in population databases (rs770358039, gnomAD 0.002%). This sequence change creates a premature translational stop signal (p.Arg235*) in the SNX27 gene. It is expected to result in an absent or disrupted protein product. Loss-of-function variants in SNX27 are known to be pathogenic (PMID: 25894286). This variant has not been reported in the literature in individuals affected with SNX27-related conditions. ClinVar contains an entry for this variant (Variation ID: 932520). For these reasons, this variant has been classified as Pathogenic.

CeGaT Center for Human Genetics Tuebingen
Classification: Likely pathogenic. Last evaluated: 2020-06-01. Review status: criteria provided, single submitter. Criteria: CeGaT Center For Human Genetics Tuebingen Variant Classification Criteria Version 2. Collection method: clinical testing. Allele origin: germline. Affected: yes. Observed: 1 variant allele.

Literature cited by the submitters: PubMed 25894286 (cited by Labcorp Genetics (formerly Invitae), Labcorp).

NM_001330723.2(SNX27):c.703C>T (p.Arg235Ter)

Gene: SNX27 (sorting nexin 27; plus strand). Cytogenetic location: 1q21.3.
Variant type: single nucleotide variant.
Coding change: c.703C>T on transcript NM_001330723.2 (MANE Select); coding-DNA position 703, C replaced by T.
Protein change: p.Arg235Ter; replaces arginine 235 with a stop codon.
Molecular consequence: nonsense.
Genome position (GRCh38, 1-based): chr1:151,658,394, C>T. VCF-style: chr1-151658394-C-T. GRCh37 (hg19) VCF-style: chr1-151630870-C-T.
Other names: c.703C>T, p.Arg235Ter (NM_030918.6); short protein forms R235*.
Identifiers: ClinVar variation 932520 (VCV000932520.43), dbSNP rs770358039, ClinGen allele CA1093457.